The following is an entry in ClinVar:

ClinVar aggregate classification (germline): Uncertain significance (1 of 4 stars; one submission).

Submission:

Labcorp Genetics (formerly Invitae), Labcorp
Classification: Uncertain significance. Last evaluated: 2023-09-06. Review status: criteria provided, single submitter. Criteria: Invitae Variant Classification Sherloc (09022015). Collection method: clinical testing. Allele origin: germline.
Comment: Advanced modeling of protein sequence and biophysical properties (such as structural, functional, and spatial information, amino acid conservation, physicochemical variation, residue mobility, and thermodynamic stability) performed at Invitae indicates that this missense variant is expected to disrupt REPS1 protein function. This variant has not been reported in the literature in individuals affected with REPS1-related conditions. This variant is not present in population databases (gnomAD no frequency). This sequence change replaces alanine, which is neutral and non-polar, with valine, which is neutral and non-polar, at codon 337 of the REPS1 protein (p.Ala337Val). In summary, the available evidence is currently insufficient to determine the role of this variant in disease. Therefore, it has been classified as a Variant of Uncertain Significance.

NM_001286611.2(REPS1):c.1010C>T (p.Ala337Val)

Gene: REPS1 (RALBP1 associated Eps domain containing 1; minus strand). Cytogenetic location: 6q24.1.
Variant type: single nucleotide variant.
Coding change: c.1010C>T on transcript NM_001286611.2 (MANE Select); coding-DNA position 1010, C replaced by T.
Protein change: p.Ala337Val; replaces alanine 337 with valine.
Molecular consequence: missense variant.
Genome position (GRCh38, 1-based): chr6:138,941,460, G>A on the plus strand (C>T on the coding strand, the complement: REPS1 is on the minus strand). VCF-style: chr6-138941460-G-A. GRCh37 (hg19) VCF-style: chr6-139262597-G-A.
Other names: c.1010C>T, p.Ala337Val (NM_001128617.3, NM_001286612.2, NM_031922.5); short protein forms A337V.
Identifiers: ClinVar variation 2754908 (VCV002754908.3), dbSNP rs750780704, ClinGen allele CA365812870.